The following is an entry in ClinVar:

ClinVar aggregate classification (germline): Pathogenic/Likely pathogenic. Review status: criteria provided, multiple submitters, no conflicts (2 of 4 stars). 9 submissions from 9 submitters: Pathogenic (7); Likely pathogenic (1). 1 of the submissions does not count toward it. Last evaluated 2025-12-03.

Conditions:
Hereditary cancer-predisposing syndrome. Also called: Neoplastic Syndromes, Hereditary; Hereditary Cancer Syndrome; Tumor predisposition; Hereditary neoplastic syndrome. Identifiers: Orphanet 140162, MedGen C0027672, MeSH D009386, MONDO:0015356.
Familial cancer of breast. Also called: BREAST CANCER, FAMILIAL; hereditary breast carcinoma; Hereditary breast cancer. Identifiers: Orphanet 227535, MedGen C0346153, MONDO:0016419, OMIM 114480. Disease mechanism: loss of function.
Ataxia-telangiectasia syndrome (AT). Also called: Ataxia-telangiectasia, complementation group D; AT, COMPLEMENTATION GROUP C; Ataxia-telangiectasia; ATAXIA-TELANGIECTASIA, COMPLEMENTATION GROUP A; ATAXIA-TELANGIECTASIA, FRESNO VARIANT; Ataxia-telangiectasia, complementation group E. Identifiers: Orphanet 100, MedGen C0004135, MONDO:0008840, OMIM 208900.

Allele frequency attached by ClinVar (database versions not stated): gnomAD exomes below 0.00001; ExAC 0.00001.
gnomAD v4.1: 2 of 1,613,902 alleles (0.00012%); highest among the groups gnomAD compares: Middle Eastern, 0.016%; no homozygotes.

Submissions (9):

Labcorp Genetics (formerly Invitae), Labcorp
Classification: Pathogenic for Ataxia-telangiectasia syndrome. Last evaluated: 2025-12-03. Review status: criteria provided, single submitter. Criteria: Invitae Variant Classification Sherloc (09022015). Collection method: clinical testing. Allele origin: germline.
Comment: This sequence change creates a premature translational stop signal (p.Gln2729*) in the ATM gene. It is expected to result in an absent or disrupted protein product. Loss-of-function variants in ATM are known to be pathogenic (PMID: 23807571, 25614872). The frequency data for this variant in the population databases is considered unreliable, as metrics indicate poor data quality at this position in the gnomAD database. This premature translational stop signal has been observed in individuals with ataxia-telangiectasia (PMID: 12815592, 24789685). ClinVar contains an entry for this variant (Variation ID: 141726). For these reasons, this variant has been classified as Pathogenic.

Natera, Inc.
Classification: Likely pathogenic for Ataxia-telangiectasia. Last evaluated: 2025-02-26. Review status: criteria provided, single submitter. Criteria: Natera Variant Classification Schema (03/2026). Collection method: clinical testing. Allele origin: germline.
Comment: The c.8185C>T variant in ATM is a nonsense variant predicted to introduce a stop codon at amino acid 2729. This variant is expected to result in nonsense mediated decay, truncation, or a dysfunctional protein product. This variant is rare in the general population with a frequency below the threshold expected for the associated phenotype(s). Given the available evidence, this variant is classified as Likely Pathogenic.

Ambry Genetics
Classification: Pathogenic for Hereditary cancer-predisposing syndrome. Last evaluated: 2025-01-13. Review status: criteria provided, single submitter. Criteria: Ambry Variant Classification Scheme 2023. Collection method: clinical testing. Allele origin: germline.
Comment: The p.Q2729* pathogenic mutation (also known as c.8185C>T), located in coding exon 55 of the ATM gene, results from a C to T substitution at nucleotide position 8185. This changes the amino acid from a glutamine to a stop codon within coding exon 55. This mutation has been detected in the homozygous state in individuals with ataxia-telangiectasia (Mitui M et al. Hum Mutat, 2003 Jul;22:43-50; Kraus M et al. J Clin Immunol, 2014 Jul;34:561-72). In addition to the clinical data presented in the literature, this alteration is expected to result in loss of function by premature protein truncation or nonsense-mediated mRNA decay. As such, this alteration is interpreted as a disease-causing mutation.

Quest Diagnostics Nichols Institute San Juan Capistrano
Classification: Pathogenic. Last evaluated: 2024-12-26. Review status: criteria provided, single submitter. Criteria: Quest Diagnostics criteria. Collection method: clinical testing. Allele origin: unknown.
Comment: The ATM c.8185C>T (p.Gln2729*) variant causes the premature termination of ATM protein synthesis. This variant has been reported in the published literature in individuals with breast cancer (PMID: 28486781 (2017)), ovarian cancer (PMID: 30322717 (2018)), pancreatic cancer (PMIDs: 32772458 (2020), 28767289 (2017)), and acute myeloid leukemia (PMIDs: 37450374 (2023), 34482403 (2022)), and in the homozygous state in an individual with ataxia telangiectasia (PMID: 12815592 (2003)). The frequency of this variant in the general population (Genome Aggregation Database) is consistent with pathogenicity. Based on the available information, this variant is classified as pathogenic.

Myriad Genetics, Inc.
Classification: Pathogenic for Familial cancer of breast. Last evaluated: 2024-02-02. Review status: criteria provided, single submitter. Criteria: Myriad Autosomal Dominant, Autosomal Recessive and X-Linked Classification Criteria (2023). Collection method: clinical testing. Allele origin: unknown.
Comment: This variant is considered pathogenic. This variant creates a termination codon and is predicted to result in premature protein truncation.

Baylor Genetics
Classification: Pathogenic for Familial cancer of breast. Last evaluated: 2023-08-29. Review status: criteria provided, single submitter. Criteria: ACMG Guidelines, 2015. Collection method: clinical testing. Allele origin: unknown.

Color Diagnostics, LLC DBA Color Health
Classification: Pathogenic for Hereditary cancer-predisposing syndrome. Last evaluated: 2020-01-15. Review status: criteria provided, single submitter. Criteria: ACMG Guidelines, 2015. Collection method: clinical testing. Allele origin: germline.
Comment: This variant changes 1 nucleotide in exon 56 of the ATM gene, creating a premature translation stop signal. This variant is expected to result in an absent or non-functional protein product. This variant has been identified in 1/251012 chromosomes in the general population by the Genome Aggregation Database (gnomAD). Loss of ATM function is a known mechanism of disease. Based on the available evidence, this variant is classified as Pathogenic.

GeneDx
Classification: Pathogenic. Last evaluated: 2016-07-07. Review status: criteria provided, single submitter. Criteria: GeneDx Variant Classification (06012015). Collection method: clinical testing. Allele origin: germline. Affected: yes.
Comment: This variant is denoted ATM c.8185C>T at the cDNA level and p.Gln2729Ter (Q2729X) at the protein level. The substitution creates a nonsense variant, which changes a Glutamine to a premature stop codon (CAA>TAA), and is predicted to cause loss of normal protein function through either protein truncation or nonsense-mediated mRNA decay. This variant has been reported in the homozygous state in an individual with classic ataxia-telangiectasia (Mitui 2003). This variant is considered pathogenic.

Counsyl
Classification: Likely pathogenic for Ataxia-telangiectasia syndrome. Last evaluated: 2016-06-23. Review status: no assertion criteria provided. Collection method: clinical testing. Allele origin: unknown. Not counted in ClinVar's aggregate classification.

Literature cited by the submitters: PubMed 23807571 (cited by Labcorp Genetics (formerly Invitae), Labcorp); PubMed 25614872 (cited by Labcorp Genetics (formerly Invitae), Labcorp); PubMed 12815592 (cited by 3 submitters); PubMed 24789685 (cited by 3 submitters); PubMed 25525159 (cited by Ambry Genetics); PubMed 28486781 (cited by Ambry Genetics); PubMed 28767289 (cited by Ambry Genetics); PubMed 30322717 (cited by Ambry Genetics); PubMed 31285527 (cited by Ambry Genetics); PubMed 32772458 (cited by Ambry Genetics).

NM_000051.4(ATM):c.8185C>T (p.Gln2729Ter)

Genes: ATM (ATM serine/threonine kinase; plus strand), C11orf65 (chromosome 11 open reading frame 65; minus strand). Cytogenetic location: 11q22.3.
Variant type: single nucleotide variant.
Coding change: c.8185C>T on transcript NM_000051.4 (MANE Select); coding-DNA position 8185, C replaced by T.
Protein change: p.Gln2729Ter; replaces glutamine 2729 with a stop codon.
Molecular consequence: nonsense. On other transcripts: intron variant (2).
Genome position (GRCh38, 1-based): chr11:108,335,878, C>T. VCF-style: chr11-108335878-C-T. GRCh37 (hg19) VCF-style: chr11-108206605-C-T.
Other names: c.8185C>T, p.Gln2729Ter (NM_001351834.2); c.641-26807G>A (NM_001330368.2); c.695-586G>A (NM_001351110.2); short protein forms Q2729*.
Identifiers: ClinVar variation 141726 (VCV000141726.33), dbSNP rs587781967, ClinGen allele CA166241.